The following is an entry in ClinVar:

ClinVar aggregate classification (germline): Pathogenic (1 of 4 stars; one submission).

Submission:

Labcorp Genetics (formerly Invitae), Labcorp
Classification: Pathogenic. Last evaluated: 2019-07-20. Review status: criteria provided, single submitter. Criteria: Invitae Variant Classification Sherloc (09022015). Collection method: clinical testing. Allele origin: germline.
Comment: This sequence change creates a premature translational stop signal (p.Tyr312Ilefs*13) in the CHM gene. It is expected to result in an absent or disrupted protein product. This variant is not present in population databases (ExAC no frequency). This variant has been observed in an individual affected with choroideremia (PMID: 12203991). Loss-of-function variants in CHM are known to be pathogenic (PMID: 9067750, 23811034). For these reasons, this variant has been classified as Pathogenic.

Literature cited by the submitters: PubMed 12203991; PubMed 9067750; PubMed 23811034.

NM_000390.4(CHM):c.934del (p.Tyr312fs)

Gene: CHM (CHM Rab escort protein; minus strand). Cytogenetic location: Xq21.2.
Variant type: Deletion.
Coding change: c.934del on transcript NM_000390.4 (MANE Select); coding-DNA position 934, one base deleted (T; older notation c.934delT).
Protein change: p.Tyr312fs; shifts the reading frame from tyrosine 312.
Molecular consequence: frameshift variant.
Genome position (GRCh38, 1-based): chrX:85,957,861, A deleted on the plus strand (T on the coding strand, the reverse complement: CHM is on the minus strand). VCF-style (leftmost placement, unchanged base first): chrX-85957860-TA-T. GRCh37 (hg19) VCF-style: chrX-85212865-TA-T.
Other names: c.490del, p.Tyr164fs (NM_001320959.1, NM_001362517.1, NM_001362518.2 and 1 more transcripts); short protein forms Y312fs, Y164fs.
Identifiers: ClinVar variation 953397 (VCV000953397.9), dbSNP rs1930083443, ClinGen allele CA1139667676.